The following is an entry in ClinVar:

ClinVar aggregate classification (germline): Uncertain significance (1 of 4 stars; one submission).

Conditions:
GRN-related frontotemporal lobar degeneration with Tdp43 inclusions (FTD2). Also called: DEMENTIA, HEREDITARY DYSPHASIC DISINHIBITION; FRONTOTEMPORAL LOBAR DEGENERATION WITH UBIQUITIN-POSITIVE INCLUSIONS; FTLD-TDP, GRN-RELATED; GRN Frontotemporal Dementia; FRONTOTEMPORAL DEMENTIA WITH TDP43 INCLUSIONS, GRN-RELATED. Identifiers: Orphanet 100070, Orphanet 282, MedGen C1843792, MONDO:0011842, OMIM 607485. Disease mechanism: loss of function.
Neuronal ceroid lipofuscinosis 11. Also called: GRN-Related Neuronal Ceroid-Lipofuscinosis. Identifiers: Orphanet 314629, Orphanet 79262, MedGen C3539123, MONDO:0013866, OMIM 614706.

Submission:

Labcorp Genetics (formerly Invitae), Labcorp
Classification: Uncertain significance for Neuronal ceroid lipofuscinosis 11; GRN-related frontotemporal lobar degeneration with Tdp43 inclusions. Last evaluated: 2022-12-29. Review status: criteria provided, single submitter. Criteria: Invitae Variant Classification Sherloc (09022015). Collection method: clinical testing. Allele origin: germline.
Comment: Advanced modeling of protein sequence and biophysical properties (such as structural, functional, and spatial information, amino acid conservation, physicochemical variation, residue mobility, and thermodynamic stability) performed at Invitae indicates that this missense variant is expected to disrupt GRN protein function. In summary, the available evidence is currently insufficient to determine the role of this variant in disease. Therefore, it has been classified as a Variant of Uncertain Significance. This sequence change replaces cysteine, which is neutral and slightly polar, with tyrosine, which is neutral and polar, at codon 335 of the GRN protein (p.Cys335Tyr). This variant is not present in population databases (gnomAD no frequency). This variant has not been reported in the literature in individuals affected with GRN-related conditions.

NM_002087.4(GRN):c.1004G>A (p.Cys335Tyr)

Gene: GRN (granulin precursor; plus strand). Cytogenetic location: 17q21.31.
Variant type: single nucleotide variant.
Coding change: c.1004G>A on transcript NM_002087.4 (MANE Select); coding-DNA position 1004, G replaced by A.
Protein change: p.Cys335Tyr; replaces cysteine 335 with tyrosine.
Molecular consequence: missense variant.
Genome position (GRCh38, 1-based): chr17:44,351,620, G>A. VCF-style: chr17-44351620-G-A. GRCh37 (hg19) VCF-style: chr17-42428988-G-A.
Other names: short protein forms C335Y.
Identifiers: ClinVar variation 2942778 (VCV002942778.3), dbSNP rs2510057235, ClinGen allele CA399765254.